The following is an entry in ClinVar:

ClinVar aggregate classification (germline): Uncertain significance. Review status: criteria provided, multiple submitters, no conflicts (2 of 4 stars). 2 submissions from 2 submitters: Uncertain significance (2). Last evaluated 2026-03-31.

Allele frequency attached by ClinVar (database versions not stated): ExAC 0.00001; TOPMed 0.00002; gnomAD exomes 0.00001 and 0.00003; gnomAD 0.00003.
gnomAD v4.1: 45 of 1,613,432 alleles (0.0028%); highest among the groups gnomAD compares: South Asian, 0.0033%; no homozygotes.

Submissions (2):

GeneDx
Classification: Uncertain significance. Last evaluated: 2026-03-31. Review status: criteria provided, single submitter. Criteria: GeneDx Variant Classification Process June 2021. Collection method: clinical testing. Allele origin: germline.
Comment: In silico analysis suggests that this missense variant does not alter protein structure/function; Has not been previously published as pathogenic or benign to our knowledge

Mayo Clinic Laboratories, Mayo Clinic
Classification: Uncertain significance. Last evaluated: 2021-04-14. Review status: criteria provided, single submitter. Criteria: ACMG Guidelines, 2015. Collection method: clinical testing. Allele origin: germline.

NM_000552.5(VWF):c.4706G>A (p.Arg1569His)

Gene: VWF (von Willebrand factor; minus strand). Cytogenetic location: 12p13.31.
Variant type: single nucleotide variant.
Coding change: c.4706G>A on transcript NM_000552.5 (MANE Select); coding-DNA position 4706, G replaced by A.
Protein change: p.Arg1569His; replaces arginine 1569 with histidine.
Molecular consequence: missense variant.
Genome position (GRCh38, 1-based): chr12:6,018,712, C>T on the plus strand (G>A on the coding strand, the complement: VWF is on the minus strand). VCF-style: chr12-6018712-C-T. GRCh37 (hg19) VCF-style: chr12-6127878-C-T.
Other names: p.Arg1569His; short protein forms R1569H.
Identifiers: ClinVar variation 1694063 (VCV001694063.5), dbSNP rs769025840, ClinGen allele CA6402472.